The following is an entry in ClinVar:

ClinVar aggregate classification (germline): Uncertain significance (1 of 4 stars; one submission).

Conditions:
Hereditary spastic paraplegia. Also called: Familial spastic paraparesis. Identifiers: Orphanet 685, MedGen C0037773, MONDO:0019064. Disease mechanism: loss of function.

Allele frequency attached by ClinVar (database versions not stated): gnomAD exomes below 0.00001 and 0.00001; ExAC 0.00001; gnomAD 0.00001; TOPMed 0.00002; ESP Exome Variant Server 0.00008.
gnomAD v4.1: 10 of 1,583,524 alleles (0.00063%); highest among the groups gnomAD compares: African/African-American, 0.0027%; no homozygotes.

Submission:

Labcorp Genetics (formerly Invitae), Labcorp
Classification: Uncertain significance for Hereditary spastic paraplegia. Last evaluated: 2018-06-13. Review status: criteria provided, single submitter. Criteria: Invitae Variant Classification Sherloc (09022015). Collection method: clinical testing. Allele origin: germline.
Comment: In summary, the available evidence is currently insufficient to determine the role of this variant in disease. Therefore, it has been classified as a Variant of Uncertain Significance. Algorithms developed to predict the effect of missense changes on protein structure and function output the following: SIFT: "Tolerated"; PolyPhen-2: "Benign"; Align-GVGD: "Class C0". The isoleucine amino acid residue is found in multiple mammalian species, suggesting that this missense change does not adversely affect protein function. These predictions have not been confirmed by published functional studies and their clinical significance is uncertain. This variant has not been reported in the literature in individuals with USP8-related disease. This variant is present in population databases (rs143070181, ExAC 0.002%). This sequence change replaces valine with isoleucine at codon 289 of the USP8 protein (p.Val289Ile). The valine residue is weakly conserved and there is a small physicochemical difference between valine and isoleucine.

NM_005154.5(USP8):c.865G>A (p.Val289Ile)

Gene: USP8 (ubiquitin specific peptidase 8; plus strand). Cytogenetic location: 15q21.2.
Variant type: single nucleotide variant.
Coding change: c.865G>A on transcript NM_005154.5 (MANE Select); coding-DNA position 865, G replaced by A.
Protein change: p.Val289Ile; replaces valine 289 with isoleucine.
Molecular consequence: missense variant.
Genome position (GRCh38, 1-based): chr15:50,476,864, G>A. VCF-style: chr15-50476864-G-A. GRCh37 (hg19) VCF-style: chr15-50769061-G-A.
Other names: c.865G>A, p.Val289Ile (NM_001128610.3); c.634G>A, p.Val212Ile (NM_001283049.2); short protein forms V289I, V212I.
Identifiers: ClinVar variation 570786 (VCV000570786.8), dbSNP rs143070181, ClinGen allele CA7555593.
Genomic context (GRCh38, chr15:50,476,864, plus strand): 5'-TGAAAGATTGCTGCCCTATTTAAAATATGATTTCCTTATTTATAGTGGGAAAGTAAAACT[G>A]TCCTGCGCAATGAGCCTTTGGTTTTAGAGGGAGGCTATGAAAACTGGCTCCTTTGTTATC-3'
Protein context (NP_005145.3, residues 279-299): DALFKWESKT[Val289Ile]LRNEPLVLEG